The following is an entry in ClinVar:

NM_000287.4(PEX6):c.1500_1505del (p.Cys500_Glu502delinsTer)

Gene: PEX6 (peroxisomal biogenesis factor 6; minus strand). Cytogenetic location: 6p21.1.
Variant type: Deletion.
Coding change: c.1500_1505del on transcript NM_000287.4 (MANE Select); coding-DNA positions 1500 to 1505, 6 bases deleted (TGCAGA; older notation c.1500_1505delTGCAGA).
Protein change: p.Cys500_Glu502delinsTer.
Molecular consequence: nonsense. On other transcripts: non-coding transcript variant (1).
Genome position (GRCh38, 1-based): chr6:42,968,473-42,968,478, TCTGCA deleted on the plus strand (TGCAGA on the coding strand, the reverse complement: PEX6 is on the minus strand). VCF-style (leftmost placement, unchanged base first): chr6-42968472-TTCTGCA-T. GRCh37 (hg19) VCF-style: chr6-42936210-TTCTGCA-T.
Other names: c.1236_1241del, p.Cys412_Glu414delinsTer (NM_001316313.2).
Identifiers: ClinVar variation 4059677 (VCV004059677.2).
Genomic context (GRCh38, chr6:42,968,472, plus strand): 5'-CCGGCAACGGCGGGCCCGGGAGAAGATGGCCTGCAGTTTTGTCTCCACAGCCCCACTACT[TTCTGCA>T]CAGAGGCTGGAGCAGGGCACCTGGGGAGGGGATCCCAATGGGTCTGTGAGCAAGGGGAAA-3'

ClinVar aggregate classification (germline): Likely pathogenic (1 of 4 stars; one submission).

Conditions:
Zellweger spectrum disorders (ZS). Also called: Zellweger syndrome; Zellweger Spectrum Disorder; Zellweger Spectrum; Zellweger Spectrum Disorder (ZSD). Identifiers: Orphanet 912, MedGen C0043459, MONDO:0019609.

Submission:

Natera, Inc.
Classification: Likely pathogenic for Zellweger syndrome. Last evaluated: 2025-01-16. Review status: criteria provided, single submitter. Criteria: Natera Variant Classification Schema (03/2026). Collection method: clinical testing. Allele origin: germline.
Comment: The c.1500_1505del variant in PEX6 is an in-frame deletion. This variant is expected to result in nonsense mediated decay, truncation, or a dysfunctional protein product. This variant is rare in the general population with a frequency below the threshold expected for the associated phenotype(s). Given the available evidence, this variant is classified as Likely Pathogenic.